The following is an entry in ClinVar:

ClinVar aggregate classification (germline): Uncertain significance. Review status: criteria provided, multiple submitters, no conflicts (2 of 4 stars). 2 submissions from 2 submitters: Uncertain significance (2). Last evaluated 2024-01-24.

Conditions:
Charcot-Marie-Tooth disease type 2. Also called: Charcot-Marie-Tooth type 2. Identifiers: Orphanet 64746, MedGen C0270914, MONDO:0018993.

Allele frequency attached by ClinVar (database versions not stated): gnomAD exomes below 0.00001; TOPMed below 0.00001; gnomAD 0.00001.
gnomAD v4.1: 2 of 1,612,408 alleles (0.00012%); highest among the groups gnomAD compares: Non-Finnish European, 0.00017%; no homozygotes.

Submissions (2):

Women's Health and Genetics/Laboratory Corporation of America, LabCorp
Classification: Uncertain significance. Last evaluated: 2024-01-24. Review status: criteria provided, single submitter. Criteria: LabCorp Variant Classification Summary - May 2015. Collection method: clinical testing. Allele origin: germline.
Comment: Variant summary: MED25 c.1210G>A (p.Gly404Arg) results in a non-conservative amino acid change located in the Mediator complex, subunit Med25, PTOV domain (IPR021394) of the encoded protein sequence. Five of five in-silico tools predict a damaging effect of the variant on protein function. The frequency data for this variant in gnomAD is considered unreliable, as metrics indicate poor data quality at this position. To our knowledge, no occurrence of c.1210G>A in individuals affected with Congenital Cataract-Microcephaly Flammeus Simplex-Severe Intellectual Disability Syndrome and no experimental evidence demonstrating its impact on protein function have been reported. ClinVar contains an entry for this variant (Variation ID: 580471). Based on the evidence outlined above, the variant was classified as uncertain significance.

Labcorp Genetics (formerly Invitae), Labcorp
Classification: Uncertain significance for Charcot-Marie-Tooth disease type 2. Last evaluated: 2021-08-24. Review status: criteria provided, single submitter. Criteria: Invitae Variant Classification Sherloc (09022015). Collection method: clinical testing. Allele origin: germline.
Comment: This sequence change replaces glycine with arginine at codon 404 of the MED25 protein (p.Gly404Arg). The glycine residue is highly conserved and there is a moderate physicochemical difference between glycine and arginine. This variant is not present in population databases (ExAC no frequency). This variant has not been reported in the literature in individuals affected with MED25-related conditions. Algorithms developed to predict the effect of missense changes on protein structure and function (SIFT, PolyPhen-2, Align-GVGD) all suggest that this variant is likely to be disruptive. Algorithms developed to predict the effect of sequence changes on RNA splicing suggest that this variant may create or strengthen a splice site. In summary, the available evidence is currently insufficient to determine the role of this variant in disease. Therefore, it has been classified as a Variant of Uncertain Significance.

NM_030973.4(MED25):c.1210G>A (p.Gly404Arg)

Gene: MED25 (mediator complex subunit 25; plus strand). Cytogenetic location: 19q13.33.
Variant type: single nucleotide variant.
Coding change: c.1210G>A on transcript NM_030973.4 (MANE Select); coding-DNA position 1210, G replaced by A.
Protein change: p.Gly404Arg; replaces glycine 404 with arginine.
Molecular consequence: missense variant.
Genome position (GRCh38, 1-based): chr19:49,831,441, G>A. VCF-style: chr19-49831441-G-A. GRCh37 (hg19) VCF-style: chr19-50334698-G-A.
Other names: c.1210G>A, p.Gly404Arg (NM_001378355.1); short protein forms G404R.
Identifiers: ClinVar variation 580471 (VCV000580471.6), dbSNP rs1213960931, ClinGen allele CA406916457.
Genomic context (GRCh38, chr19:49,831,441, plus strand): 5'-CTGGGAGCCCCAGCCCTCGGTGGGCAGCAGTCAGTCTCCAATAAGCTTCTGGCCTGGAGC[G>A]GGGTCCTGGAGTGGCAAGAGGTGAGGGGCCTGAGGGTCCATTGGGCACTTGGGACTCCTG-3'
Protein context (NP_112235.2, residues 394-414): SVSNKLLAWS[Gly404Arg]VLEWQEKPKP